The following is an entry in ClinVar:

NM_152443.3(RDH12):c.883C>T (p.Arg295Ter)

Genes: GPHN (gephyrin; plus strand), RDH12 (retinol dehydrogenase 12; plus strand), ZFYVE26 (zinc finger FYVE-type containing 26; minus strand). Cytogenetic location: 14q24.1.
Variant type: single nucleotide variant.
Coding change: c.883C>T on transcript NM_152443.3 (MANE Select); coding-DNA position 883, C replaced by T.
Protein change: p.Arg295Ter; replaces arginine 295 with a stop codon.
Molecular consequence: nonsense.
Genome position (GRCh38, 1-based): chr14:67,733,780, C>T. VCF-style: chr14-67733780-C-T. GRCh37 (hg19) VCF-style: chr14-68200497-C-T.
Other names: short protein forms R295*.
Identifiers: ClinVar variation 655601 (VCV000655601.63), dbSNP rs200387832, ClinGen allele CA7238876.

ClinVar aggregate classification (germline): Pathogenic/Likely pathogenic. Review status: criteria provided, multiple submitters, no conflicts (2 of 4 stars). 11 submissions from 11 submitters: Pathogenic (8); Likely pathogenic (1). 2 of the submissions do not count toward it. Last evaluated 2025-08-18.

Conditions:
Retinitis pigmentosa (RP). Identifiers: Orphanet 791, MedGen C0035334, MeSH D012174, MONDO:0019200, OMIM 268000. Inheritance: Autosomal dominant, autosomal recessive and X linked inheritance.
RDH12-related disorder. Also called: RDH12-related condition; RDH12-related disorders.
Leber congenital amaurosis (LCA). Also called: Leber's amaurosis. Identifiers: Orphanet 65, MedGen C0339527, MeSH D057130, MONDO:0018998.
Leber congenital amaurosis 13 (LCA13). Identifiers: MedGen C2675186, MONDO:0012990, OMIM 612712.

Allele frequency attached by ClinVar (database versions not stated): gnomAD exomes below 0.00001; ExAC 0.00002; TOPMed 0.00002; ESP Exome Variant Server 0.00015.
gnomAD v4.1: 100 of 1,613,060 alleles (0.0062%); highest among the groups gnomAD compares: Non-Finnish European, 0.0079%; no homozygotes.

Submissions (11):

PreventionGenetics, part of Exact Sciences
Classification: Pathogenic for RDH12-related condition. Last evaluated: 2025-08-18. Review status: criteria provided, single submitter. Criteria: ACMG Guidelines, 2015. Collection method: clinical testing. Allele origin: germline.
Comment: The RDH12 c.883C>T variant is predicted to result in premature protein termination (p.Arg295*). This variant has been reported in the compound heterozygous state in individuals with Leber congenital amaurosis (see for example: Thompson et al. 2005. PubMed ID: 16269441; Mackay et al. 2011. PubMed ID: 22065924; Wang et al. 2015. PubMed ID: 26047050; Table S1, Lin et al. 2024. PubMed ID: 38219857). This variant is present in 0.0015% of alleles in individuals of European (Non-Finnish) descent in gnomAD. This variant resides in the final exon of this gene, and it is unclear if the resulting mRNA would undergo nonsense-mediated decay; however, loss of function variants in this terminal exon of RDH12 have been reported in the literature in association with disease. This variant is interpreted as pathogenic.

Natera, Inc.
Classification: Pathogenic for Leber congenital amaurosis. Last evaluated: 2025-01-22. Review status: criteria provided, single submitter. Criteria: Natera Variant Classification Schema (03/2026). Collection method: clinical testing. Allele origin: germline.
Comment: The c.883C>T variant in RDH12 is a nonsense variant predicted to introduce a stop codon at amino acid 295. This variant is expected to result in nonsense mediated decay, truncation, or a dysfunctional protein product. This variant is rare in the general population with a frequency below the threshold expected for the associated phenotype(s). This variant has been observed in one or more individuals affected with the associated recessive disease, as either homozygous or compound heterozygous with a second variant (PMID: 28341476). Given the available evidence, this variant is classified as Pathogenic.

Labcorp Genetics (formerly Invitae), Labcorp
Classification: Pathogenic for Leber congenital amaurosis 13. Last evaluated: 2024-08-04. Review status: criteria provided, single submitter. Criteria: Invitae Variant Classification Sherloc (09022015). Collection method: clinical testing. Allele origin: germline.
Comment: This sequence change creates a premature translational stop signal (p.Arg295*) in the RDH12 gene. While this is not anticipated to result in nonsense mediated decay, it is expected to disrupt the last 22 amino acid(s) of the RDH12 protein. The frequency data for this variant in the population databases is considered unreliable, as metrics indicate poor data quality at this position in the gnomAD database. This premature translational stop signal has been observed in individuals with autosomal recessive RDH12-related conditions (PMID: 16269441, 22065924, 26047050, 28559085). It has also been observed to segregate with disease in related individuals. ClinVar contains an entry for this variant (Variation ID: 655601). For these reasons, this variant has been classified as Pathogenic.

Blueprint Genetics
Classification: Pathogenic for RDH12-related disorders. Last evaluated: 2024-07-19. Review status: criteria provided, single submitter. Criteria: ACMG Guidelines, 2015. Collection method: clinical testing. Allele origin: germline. Affected: yes. Observed: 5 variant alleles.

Fulgent Genetics
Classification: Pathogenic for Leber congenital amaurosis 13. Last evaluated: 2024-05-03. Review status: criteria provided, single submitter. Criteria: ACMG Guidelines, 2015. Collection method: clinical testing. Allele origin: germline.

Department of Pathology and Laboratory Medicine, Sinai Health System
Classification: Pathogenic for Leber congenital amaurosis 13. Last evaluated: 2021-12-02. Review status: criteria provided, single submitter. Criteria: ACMG Guidelines, 2015. Collection method: research. Allele origin: germline.

Broad Center for Mendelian Genomics, Broad Institute of MIT and Harvard
Classification: Likely pathogenic for Leber congenital amaurosis 13. Last evaluated: 2020-05-29. Review status: criteria provided, single submitter. Criteria: ACMG Guidelines, 2015. Collection method: research. Allele origin: germline. Inheritance: Autosomal recessive inheritance.
Comment: The p.Arg295Ter variant in RDH12 has been reported in at least 3 individuals with Leber congenital amaurosis, including the individual from this study (PMID: 22065924, 32014858, 28559085). The presence of this variant in combination with a reported likely pathogenic variant, and in 3 individuals with Leber congenital amaurosis increases the likelihood that the p.Arg295Ter variant is pathogenic (PMID: 28559085, 22065924). This variant has been identified in (2/129144) 0.0015% of European (Non-Finnish) chromosomes by the Genome Aggregation Database (gnomAD). Although this variant has been seen in the general population, its frequency is low enough to be consistent with a recessive carrier frequency. This variant has also been reported in ClinVar as pathogenic by Blueprint Genetics and Invitae and as likely pathogenic by Ocular Genomics Institute, Massachusetts Eye and Ear (Variation ID:655601). This nonsense variant leads to a premature termination codon at position 295. This alteration occurs within the last exon and is more likely to escape nonsense mediated decay (NMD) and result in a truncated protein. While there is some evidence to suggest that loss of function of the RDH12 gene is a disease mechanism in autosomal recessive Leber congenital amaurosis, this association is not yet strongly established based on the criteria laid out in Tayoun, 2018 (PMID: 30192042). In summary, although additional studies are required to fully establish its clinical significance, this variant is likely pathogenic. ACMG/AMP Criteria applied: PVS1_supporting, PM2, PM3_strong (Richards 2015).

CeGaT Center for Human Genetics Tuebingen
Classification: Pathogenic. Last evaluated: 2020-03-01. Review status: criteria provided, single submitter. Criteria: CeGaT Center For Human Genetics Tuebingen Variant Classification Criteria Version 2. Collection method: clinical testing. Allele origin: germline. Affected: yes. Observed: 1 variant allele.

Centre for Mendelian Genomics, University Medical Centre Ljubljana
Classification: Pathogenic for Leber congenital amaurosis 13. Last evaluated: 2018-10-11. Review status: criteria provided, single submitter. Criteria: ACMG Guidelines, 2015. Collection method: clinical testing. Allele origin: unknown. Affected: yes.
Comment: This variant was classified as: Pathogenic. The following ACMG criteria were applied in classifying this variant: PVS1,PS1,PM2.

Ocular Genomics Institute, Massachusetts Eye and Ear
Classification: Likely pathogenic for Retinitis pigmentosa. Last evaluated: 2019-08-01. Review status: no assertion criteria provided. Collection method: clinical testing. Allele origin: germline. Affected: yes. Observed: 1 variant allele. Not counted in ClinVar's aggregate classification.

Laboratory of Genetics in Ophthalmology, Institut Imagine
Classification: Pathogenic for Leber congenital amaurosis 13. Review status: no assertion criteria provided. Collection method: research. Allele origin: inherited. Affected: yes. Observed: 1 variant allele. Not counted in ClinVar's aggregate classification.

Literature cited by the submitters: PubMed 28341476 (cited by Natera, Inc.); PubMed 16269441 (cited by Labcorp Genetics (formerly Invitae), Labcorp and Laboratory of Genetics in Ophthalmology, Institut Imagine); PubMed 22065924 (cited by Labcorp Genetics (formerly Invitae), Labcorp and Broad Center for Mendelian Genomics, Broad Institute of MIT and Harvard); PubMed 26047050 (cited by Labcorp Genetics (formerly Invitae), Labcorp); PubMed 28559085 (cited by Labcorp Genetics (formerly Invitae), Labcorp and Broad Center for Mendelian Genomics, Broad Institute of MIT and Harvard).